The following is an entry in ClinVar:

ClinVar aggregate classification (germline): Uncertain significance (1 of 4 stars; one submission).

Conditions:
Arginine:glycine amidinotransferase deficiency (CCDS3). Also called: L-Arginine:Glycine Amidinotransferase (AGAT) Deficiency; AGAT deficiency; L-Arginine:Glycine Amidinotransferase Deficiency; Creatine deficiency syndrome due to AGAT deficiency; GATM deficiency; Cerebral creatine deficiency syndrome 3. Identifiers: Orphanet 35704, MedGen C2675179, MONDO:0012996, OMIM 612718.

Allele frequency attached by ClinVar (database versions not stated): gnomAD exomes below 0.00001.
gnomAD v4.1: 1 of 1,614,160 alleles (0.000062%); highest among the groups gnomAD compares: Non-Finnish European, 0.000085%; no homozygotes.

Submission:

Labcorp Genetics (formerly Invitae), Labcorp
Classification: Uncertain significance for Arginine:glycine amidinotransferase deficiency. Last evaluated: 2023-06-16. Review status: criteria provided, single submitter. Criteria: Invitae Variant Classification Sherloc (09022015). Collection method: clinical testing. Allele origin: germline.
Comment: In summary, the available evidence is currently insufficient to determine the role of this variant in disease. Therefore, it has been classified as a Variant of Uncertain Significance. Advanced modeling of protein sequence and biophysical properties (such as structural, functional, and spatial information, amino acid conservation, physicochemical variation, residue mobility, and thermodynamic stability) performed at Invitae indicates that this missense variant is not expected to disrupt GATM protein function. This variant has not been reported in the literature in individuals affected with GATM-related conditions. This variant is not present in population databases (gnomAD no frequency). This sequence change replaces valine, which is neutral and non-polar, with methionine, which is neutral and non-polar, at codon 245 of the GATM protein (p.Val245Met).

NM_001482.3(GATM):c.733G>A (p.Val245Met)

Gene: GATM (glycine amidinotransferase; minus strand). Cytogenetic location: 15q21.1.
Variant type: single nucleotide variant.
Coding change: c.733G>A on transcript NM_001482.3 (MANE Select); coding-DNA position 733, G replaced by A.
Protein change: p.Val245Met; replaces valine 245 with methionine.
Molecular consequence: missense variant.
Genome position (GRCh38, 1-based): chr15:45,366,451, C>T on the plus strand (G>A on the coding strand, the complement: GATM is on the minus strand). VCF-style: chr15-45366451-C-T. GRCh37 (hg19) VCF-style: chr15-45658649-C-T.
Other names: c.346G>A, p.Val116Met (NM_001321015.2); short protein forms V245M, V116M.
Identifiers: ClinVar variation 2863247 (VCV002863247.3), dbSNP rs2541989124, ClinGen allele CA392259083.
Genomic context (GRCh38, chr15:45,366,451, plus strand): 5'-TATCTCTTCCAGCTCGAATGAAGTCAGCAGCATCAAAGCATGGCTCAAACTCAGTTGTCA[C>T]AAATTTTCCCTGAGCAGCCAATTTGTGTCTGTCTTCTACAGAGTGGATGGGATAATCCTA-3'
Protein context (NP_001473.1, residues 235-255): RHKLAAQGKF[Val245Met]TTEFEPCFDA